The following is an entry in ClinVar:

ClinVar aggregate classification (germline): Uncertain significance. Review status: criteria provided, multiple submitters, no conflicts (2 of 4 stars). 4 submissions from 4 submitters: Uncertain significance (4). Last evaluated 2024-07-08.

Conditions:
Epilepsy, progressive myoclonic, 1B. Also called: PME. Identifiers: Orphanet 308, MedGen C2676254, MONDO:0012904, OMIM 612437.

Allele frequency attached by ClinVar (database versions not stated): gnomAD exomes below 0.00001 and 0.00001; gnomAD 0.00001.
gnomAD v4.1: 12 of 1,613,982 alleles (0.00074%); highest among the groups gnomAD compares: South Asian, 0.0033%; no homozygotes.

Submissions (4):

Blueprint Genetics
Classification: Uncertain significance. Last evaluated: 2024-07-08. Review status: criteria provided, single submitter. Criteria: ACMG Guidelines, 2015. Collection method: clinical testing. Allele origin: germline.

Department of Pathology and Laboratory Medicine, Sinai Health System
Classification: Uncertain significance for Epilepsy, progressive myoclonic, 1B. Last evaluated: 2021-10-21. Review status: criteria provided, single submitter. Criteria: ACMG Guidelines, 2015. Collection method: research. Allele origin: germline.

Labcorp Genetics (formerly Invitae), Labcorp
Classification: Uncertain significance for Epilepsy, progressive myoclonic, 1B. Last evaluated: 2021-08-27. Review status: criteria provided, single submitter. Criteria: Invitae Variant Classification Sherloc (09022015). Collection method: clinical testing. Allele origin: germline.
Comment: This sequence change replaces arginine with glutamine at codon 373 of the PRICKLE1 protein (p.Arg373Gln). The arginine residue is moderately conserved and there is a small physicochemical difference between arginine and glutamine. This variant is not present in population databases (ExAC no frequency). This variant has not been reported in the literature in individuals affected with PRICKLE1-related conditions. ClinVar contains an entry for this variant (Variation ID: 590028). Algorithms developed to predict the effect of missense changes on protein structure and function are either unavailable or do not agree on the potential impact of this missense change (SIFT: "Deleterious"; PolyPhen-2: "Benign"; Align-GVGD: "Class C0"). In summary, the available evidence is currently insufficient to determine the role of this variant in disease. Therefore, it has been classified as a Variant of Uncertain Significance.

Ambry Genetics
Classification: Uncertain significance. Last evaluated: 2017-01-30. Review status: criteria provided, single submitter. Criteria: Ambry Variant Classification Scheme 2023. Collection method: clinical testing. Allele origin: germline.
Comment: The p.R373Q variant (also known as c.1118G>A), located in coding exon 6 of the PRICKLE1 gene, results from a G to A substitution at nucleotide position 1118. The arginine at codon 373 is replaced by glutamine, an amino acid with highly similar properties. This amino acid position is not well conserved in available vertebrate species. In addition, this alteration is predicted to be tolerated by in silico analysis. Since supporting evidence is limited at this time, the clinical significance of this alteration remains unclear.

NM_153026.3(PRICKLE1):c.1118G>A (p.Arg373Gln)

Genes: PRICKLE1 (prickle planar cell polarity protein 1; minus strand), LOC126861509 (BRD4-independent group 4 enhancer GRCh37_chr12:42858567-42859766; plus strand). Cytogenetic location: 12q12.
Variant type: single nucleotide variant.
Coding change: c.1118G>A on transcript NM_153026.3 (MANE Select); coding-DNA position 1118, G replaced by A.
Protein change: p.Arg373Gln; replaces arginine 373 with glutamine.
Molecular consequence: missense variant.
Genome position (GRCh38, 1-based): chr12:42,464,916, C>T on the plus strand (G>A on the coding strand, the complement: PRICKLE1 is on the minus strand). VCF-style: chr12-42464916-C-T. GRCh37 (hg19) VCF-style: chr12-42858718-C-T.
Other names: c.1118G>A, p.Arg373Gln (NM_001144881.2, NM_001144882.2, NM_001144883.2); short protein forms R373Q.
Identifiers: ClinVar variation 590028 (VCV000590028.13), dbSNP rs1254082305, ClinGen allele CA384442430.